The following is an entry in ClinVar:

NM_020964.3(EPG5):c.277G>T (p.Glu93Ter)

Gene: EPG5 (ectopic P-granules 5 autophagy tethering factor; minus strand). Cytogenetic location: 18q21.1.
Variant type: single nucleotide variant.
Coding change: c.277G>T on transcript NM_020964.3 (MANE Select); coding-DNA position 277, G replaced by T.
Protein change: p.Glu93Ter; replaces glutamic acid 93 with a stop codon.
Molecular consequence: nonsense.
Genome position (GRCh38, 1-based): chr18:45,955,125, C>A on the plus strand (G>T on the coding strand, the complement: EPG5 is on the minus strand). VCF-style: chr18-45955125-C-A. GRCh37 (hg19) VCF-style: chr18-43535091-C-A.
Other names: c.277G>T, p.Glu93Ter (NM_001410858.1, NM_001410859.1); short protein forms E93*.
Identifiers: ClinVar variation 2702734 (VCV002702734.3), dbSNP rs2512130923, ClinGen allele CA402352072.
Genomic context (GRCh38, chr18:45,955,125, plus strand): 5'-CACAGGGTCTGGCCTCTCCCCCTTCCTTTGGGGGCTCTGTGTTACACGTCAGGGACTCTT[C>A]ATTGCTTATAGTTAAGGAGGTGAGTGGTACATCAAACATTTCACTCTCATTTTGTCCACT-3'

ClinVar aggregate classification (germline): Pathogenic (1 of 4 stars; one submission).

Conditions:
Vici syndrome (VICIS). Identifiers: Orphanet 1493, MedGen C1855772, MONDO:0009452, OMIM 242840.

Submission:

Labcorp Genetics (formerly Invitae), Labcorp
Classification: Pathogenic for Vici syndrome. Last evaluated: 2023-12-20. Review status: criteria provided, single submitter. Criteria: Invitae Variant Classification Sherloc (09022015). Collection method: clinical testing. Allele origin: germline.
Comment: This sequence change creates a premature translational stop signal (p.Glu93*) in the EPG5 gene. It is expected to result in an absent or disrupted protein product. Loss-of-function variants in EPG5 are known to be pathogenic (PMID: 23222957, 23674064). This variant is not present in population databases (gnomAD no frequency). This variant has not been reported in the literature in individuals affected with EPG5-related conditions. For these reasons, this variant has been classified as Pathogenic.

Literature cited by the submitters: PubMed 23222957; PubMed 23674064.